The following is an entry in ClinVar:

NM_001384474.1(LOXHD1):c.5739C>T (p.Asn1913=)

Gene: LOXHD1 (lipoxygenase homology PLAT domains 1; minus strand). Cytogenetic location: 18q21.1.
Variant type: single nucleotide variant.
Coding change: c.5739C>T on transcript NM_001384474.1 (MANE Select); coding-DNA position 5739, C replaced by T.
Protein change: p.Asn1913=; no amino-acid change (asparagine 1913 retained).
Molecular consequence: synonymous variant.
Genome position (GRCh38, 1-based): chr18:46,505,977, G>A on the plus strand (C>T on the coding strand, the complement: LOXHD1 is on the minus strand). VCF-style: chr18-46505977-G-A. GRCh37 (hg19) VCF-style: chr18-44085940-G-A.
Other names: c.5553C>T (NM_144612.6); c.2406C>T, p.Asn802= (NM_001145472.3); c.456C>T, p.Asn152= (NM_001145473.3, NM_001173129.2); c.2118C>T, p.Asn706= (NM_001308013.2); c.5553C>T, p.Asn1851= (NM_144612.7).
Identifiers: ClinVar variation 1140379 (VCV001140379.12), dbSNP rs756448029, ClinGen allele CA8952140.

ClinVar aggregate classification (germline): Likely benign. Review status: criteria provided, multiple submitters, no conflicts (2 of 4 stars). 3 submissions from 3 submitters: Likely benign (2). 1 of the submissions does not count toward it. Last evaluated 2025-11-05.

Conditions:
LOXHD1-related disorder. Also called: LOXHD1-related condition.

Allele frequency attached by ClinVar (database versions not stated): gnomAD 0.00001; gnomAD exomes 0.00007; ExAC 0.00009.
gnomAD v4.1: 25 of 1,552,080 alleles (0.0016%); highest among the groups gnomAD compares: African/African-American, 0.011%; 1 homozygote.

Submissions (3):

Labcorp Genetics (formerly Invitae), Labcorp
Classification: Likely benign. Last evaluated: 2025-11-05. Review status: criteria provided, single submitter. Criteria: Invitae Variant Classification Sherloc (09022015). Collection method: clinical testing. Allele origin: germline.

Blueprint Genetics
Classification: Likely benign. Last evaluated: 2024-01-23. Review status: criteria provided, single submitter. Criteria: ACMG Guidelines, 2015. Collection method: clinical testing. Allele origin: germline.

PreventionGenetics, part of Exact Sciences
Classification: Likely benign for LOXHD1-related condition. Last evaluated: 2019-07-24. Review status: no assertion criteria provided. Collection method: clinical testing. Allele origin: germline. Not counted in ClinVar's aggregate classification.
Comment: This variant is classified as likely benign based on ACMG/AMP sequence variant interpretation guidelines (Richards et al. 2015 PMID: 25741868, with internal and published modifications).